The following is an entry in ClinVar:

NM_022336.4(EDAR):c.803+4T>G

Genes: EDAR (ectodysplasin A receptor; minus strand), RANBP2 (RAN binding protein 2; plus strand). Cytogenetic location: 2q13.
Variant type: single nucleotide variant.
Coding change: c.803+4T>G on transcript NM_022336.4 (MANE Select); 4 bases into the intron after coding-DNA position 803, T replaced by G.
Molecular consequence: intron variant.
Genome position (GRCh38, 1-based): chr2:108,910,456, A>C on the plus strand (T>G on the coding strand, the complement: EDAR is on the minus strand). VCF-style: chr2-108910456-A-C. GRCh37 (hg19) VCF-style: chr2-109526912-A-C.
Identifiers: ClinVar variation 934574 (VCV000934574.9), dbSNP rs777577152, ClinGen allele CA1824935.

ClinVar aggregate classification (germline): Uncertain significance (1 of 4 stars; one submission).

Conditions:
Ectodermal dysplasia 10A, hypohidrotic/hair/nail type, autosomal dominant (ECTD10A). Also called: Ectodermal Dysplasia 3, Anhidrotic. Identifiers: Orphanet 1810, Orphanet 238468, MedGen C3888065, MONDO:0007509, OMIM 129490.
Autosomal recessive hypohidrotic ectodermal dysplasia syndrome. Also called: Autosomal recessive hypohidrotic ectodermal dysplasia. Identifiers: Orphanet 248, MedGen C0406702, MONDO:0016619.

Submission:

Labcorp Genetics (formerly Invitae), Labcorp
Classification: Uncertain significance for Ectodermal dysplasia 10A, hypohidrotic/hair/nail type, autosomal dominant; Autosomal recessive hypohidrotic ectodermal dysplasia syndrome. Last evaluated: 2019-05-14. Review status: criteria provided, single submitter. Criteria: Invitae Variant Classification Sherloc (09022015). Collection method: clinical testing. Allele origin: germline.
Comment: In summary, the available evidence is currently insufficient to determine the role of this variant in disease. Therefore, it has been classified as a Variant of Uncertain Significance. Nucleotide substitutions within the consensus splice site are a relatively common cause of aberrant splicing (PMID: 17576681, 9536098). Algorithms developed to predict the effect of sequence changes on RNA splicing suggest that this variant is not likely to affect RNA splicing, but this prediction has not been confirmed by published transcriptional studies. This variant has not been reported in the literature in individuals with EDAR-related conditions. This variant is present in population databases (rs777577152, ExAC 0.002%). This sequence change falls in intron 9 of the EDAR gene. It does not directly change the encoded amino acid sequence of the EDAR protein, but it affects a nucleotide within the consensus splice site of the intron.

Literature cited by the submitters: PubMed 17576681; PubMed 9536098.